The following is an entry in ClinVar:

ClinVar aggregate classification (germline): Pathogenic. Review status: criteria provided, multiple submitters, no conflicts (2 of 4 stars). 15 submissions from 15 submitters: Pathogenic (11). 4 of the submissions do not count toward it. Last evaluated 2025-12-08.

Conditions:
Hereditary cancer-predisposing syndrome. Also called: Hereditary neoplastic syndrome; Neoplastic Syndromes, Hereditary; Hereditary Cancer Syndrome; Tumor predisposition. Identifiers: Orphanet 140162, MedGen C0027672, MeSH D009386, MONDO:0015356.
Familial cancer of breast. Also called: BREAST CANCER, FAMILIAL; hereditary breast carcinoma; Hereditary breast cancer. Identifiers: Orphanet 227535, MedGen C0346153, MONDO:0016419, OMIM 114480. Disease mechanism: loss of function.
Breast-ovarian cancer, familial, susceptibility to, 2 (BROVCA2). Also called: BRCA2 Hereditary Breast and Ovarian Cancer. Identifiers: Orphanet 145, MedGen C2675520, MONDO:0012933, OMIM 612555. Disease mechanism: loss of function.
Hereditary breast ovarian cancer syndrome. Also called: Hereditary breast and ovarian cancer; BRCA1- and BRCA2-Associated Hereditary Breast and Ovarian Cancer; Hereditary breast and/or ovarian cancer syndrome; Hereditary breast and ovarian cancer syndrome; Hereditary breast and ovarian cancer syndrome (HBOC); Breast and ovarian cancer. Identifiers: Orphanet 145, MedGen C0677776, MeSH D061325, MONDO:0003582. Disease mechanism: loss of function.
Malignant tumor of urinary bladder. Also called: Bladder cancer; Urinary bladder cancer; Urinary Bladder Neoplasms. Identifiers: MedGen C0005684, MONDO:0001187, OMIM 109800.

Submissions (15):

Dasa
Classification: Pathogenic for Breast-ovarian cancer, familial, susceptibility to, 2. Last evaluated: 2025-12-08. Review status: criteria provided, single submitter. Criteria: DASA Assertion Criteria. Collection method: clinical testing. Allele origin: germline.
Comment: NM_000059.4(BRCA2):c.67+1G>A introduces a premature termination codon predicted to result in loss of normal protein function. Loss-of-function is an established mechanism of disease for this gene. This variant results in the same amino acid change as a previously established pathogenic variant. Segregation evidence has been reported in affected families. Functional evidence supports a deleterious effect on the gene or gene product (PMID: 23893897; PMID: 31131967). This variant has been recurrently observed in individuals with Breast-ovarian cancer, familial, susceptibility to, 2 (PMID: 23893897; PMID: 31131967). Multiple computational predictions support a deleterious effect on the gene or gene product. The variant is present at low frequency in population datasets. Based on the available data, this variant is classified as pathogenic.

Labcorp Genetics (formerly Invitae), Labcorp
Classification: Pathogenic for Hereditary breast ovarian cancer syndrome. Last evaluated: 2025-10-14. Review status: criteria provided, single submitter. Criteria: Invitae Variant Classification Sherloc (09022015). Collection method: clinical testing. Allele origin: germline.
Comment: This sequence change affects a donor splice site in intron 2 of the BRCA2 gene. RNA analysis indicates that disruption of this splice site induces altered splicing and may result in an absent or altered protein product. This variant is not present in population databases (gnomAD no frequency). Disruption of this splice site has been observed in individual(s) with breast cancer (PMID: 17011978, 21063910, 32058061, 32846166). It has also been observed to segregate with disease in related individuals. This variant is also known as IVS2+1G>A. ClinVar contains an entry for this variant (Variation ID: 52160). Studies have shown that disruption of this splice site results in skipping of exon 2, and produces a non-functional protein and/or introduces a premature termination codon (PMID: 17011978, 22505045). For these reasons, this variant has been classified as Pathogenic.

Center for Genomic Medicine, Rigshospitalet, Copenhagen University Hospital
Classification: Pathogenic. Last evaluated: 2025-03-04. Review status: criteria provided, single submitter. Criteria: ACMG Guidelines, 2015. Collection method: clinical testing. Allele origin: germline.

Institute of Medical Genetics and Applied Genomics, University Hospital Tübingen
Classification: Pathogenic for Familial cancer of breast. Last evaluated: 2023-04-11. Review status: criteria provided, single submitter. Criteria: ACMG Guidelines, 2015. Collection method: clinical testing. Allele origin: germline. Inheritance: Autosomal dominant inheritance. Affected: yes.

Ambry Genetics
Classification: Pathogenic for Hereditary cancer-predisposing syndrome. Last evaluated: 2023-02-15. Review status: criteria provided, single submitter. Criteria: Ambry Variant Classification Scheme 2023. Collection method: clinical testing. Allele origin: germline.
Comment: The c.67+1G>A intronic pathogenic mutation results from a G to A substitution one nucleotide after coding exon 1 of the BRCA2 gene. This mutation has previously been reported in three families of Sephardic origin affected with breast and/or ovarian cancer (Sagi M et al. Fam. Cancer. 2011 Mar;10(1):59-63). Functional analysis of this alteration using an RNA based assay showed skipping of coding exon 1 and truncation of the BRCA2 protein (Ambry internal data; Bonatti F et al. Cancer Genet. Cytogenet. 2006 Oct;170(2):93-101). Further, an alteration at the same location (c.67+1G>T) has been reported in a German family affected with breast and/or ovarian cancer (Meyer P et al. Hum. Mutat. 2003 Sep;22(3):259). This variant is considered to be rare based on population cohorts in the Genome Aggregation Database (gnomAD). In addition to the clinical data presented in the literature, alterations that disrupt the canonical splice site are expected to cause aberrant splicing, resulting in an abnormal protein or a transcript that is subject to nonsense-mediated mRNA decay. As such, this alteration is classified as a disease-causing mutation.

Quest Diagnostics Nichols Institute San Juan Capistrano
Classification: Pathogenic. Last evaluated: 2023-01-31. Review status: criteria provided, single submitter. Criteria: Quest Diagnostics criteria. Collection method: clinical testing. Allele origin: unknown.
Comment: This variant disrupts a canonical splice-donor site and interferes with normal BRCA2 mRNA splicing. It is reported to cause the skipping of exon 2 during splicing, resulting in a truncated protein product (PMID: 17011978 (2006)). This variant has not been reported in large, multi-ethnic general populations. In the published literature, the variant has been reported in individuals with a personal or family history of breast and/or ovarian cancer (PMIDs: 35220195 (2022), 32658311 (2021), 32599251 (2020), 32438681 (2020), 32058061 (2020), 32846166 (2020), 28888541 (2017), 21063910 (2011), and 12938098 (2003)). Based on the available information, this variant is classified as pathogenic.

Baylor Genetics
Classification: Pathogenic for Familial cancer of breast. Last evaluated: 2022-12-27. Review status: criteria provided, single submitter. Criteria: ACMG Guidelines, 2015. Collection method: clinical testing. Allele origin: unknown.

Women's Health and Genetics/Laboratory Corporation of America, LabCorp
Classification: Pathogenic for Hereditary breast ovarian cancer syndrome. Last evaluated: 2022-04-06. Review status: criteria provided, single submitter. Criteria: LabCorp Variant Classification Summary - May 2015. Collection method: clinical testing. Allele origin: germline.
Comment: Variant summary: BRCA2 c.67+1G>A alters a conserved nucleotide located in a canonical splice-site and is predicted to affect mRNA splicing resulting in a significantly altered protein due to either exon skipping, shortening, or inclusion of intronic material. Several computational tools predict a significant impact on normal splicing: Three predict the variant abolishes the canonical 5' splicing donor site. At least one publication reports experimental evidence that this variant affects mRNA splicing resulting in exon skipping (example, Bonatti_2006). The variant was absent in 250582 control chromosomes. c.67+1G>A has been reported in the literature in multiple individuals affected with Hereditary Breast And Ovarian Cancer Syndrome (example, Rebbeck_2018). These data indicate that the variant is very likely to be associated with disease. Three clinical diagnostic laboratories and a consortium (CIMBA) have submitted clinical-significance assessments for this variant to ClinVar after 2014 without evidence for independent evaluation. All submitters classified the variant as pathogenic. Based on the evidence outlined above, the variant was classified as pathogenic.

Department of Pathology and Laboratory Medicine, Sinai Health System
Classification: Pathogenic for Familial cancer of breast; Breast-ovarian cancer, familial, susceptibility to, 2. Last evaluated: 2022-01-14. Review status: criteria provided, single submitter. Criteria: ACMG Guidelines, 2015. Collection method: clinical testing. Allele origin: germline. Affected: yes.

GeneDx
Classification: Pathogenic. Last evaluated: 2015-11-19. Review status: criteria provided, single submitter. Criteria: GeneDx Variant Classification (06012015). Collection method: clinical testing. Allele origin: germline. Affected: yes.
Comment: This variant is denoted BRCA2 c.67+1G>A or IVS2+1G>A and consists of a G>A nucleotide substitution at the +1 position of intron 2 of the BRCA2 gene. This variant destroys a canonical splice donor site and causes exon 2 skipping, leading to either an abnormal message that is subject to nonsense-mediated mRNA decay or to an abnormal protein product (Bonatti 2006). This variant, also defined as BRCA2 295+1G>A using alternate nomenclature, has been reported in individuals with a personal and family history of early-onset breast and/or ovarian cancer and has been described as a founder pathogenic variant in the Sephardic Jewish population (Bonatti 2006, Sagi 2011, Balabanski 2014). We consider this variant to be pathogenic.

Consortium of Investigators of Modifiers of BRCA1/2 (CIMBA), c/o University of Cambridge
Classification: Pathogenic for Breast-ovarian cancer, familial, susceptibility to, 2. Last evaluated: 2015-10-02. Review status: criteria provided, single submitter. Criteria: CIMBA Mutation Classification guidelines May 2016. Collection method: clinical testing. Allele origin: germline.

Research Molecular Genetics Laboratory, Women's College Hospital, University of Toronto
Classification: Pathogenic for Hereditary breast ovarian cancer syndrome. Last evaluated: 2014-01-31. Review status: no assertion criteria provided. Collection method: research. Allele origin: germline. Affected: yes. Study: The Canadian Open Genetics Repository (COGR). Not counted in ClinVar's aggregate classification.

Sharing Clinical Reports Project (SCRP)
Classification: Pathogenic for Breast-ovarian cancer, familial 2. Last evaluated: 2008-11-25. Review status: no assertion criteria provided. Collection method: clinical testing. Allele origin: germline. Not counted in ClinVar's aggregate classification.

Breast Cancer Information Core (BIC) (BRCA2)
Classification: Pathogenic for Breast-ovarian cancer, familial 2. Last evaluated: 1999-06-21. Review status: no assertion criteria provided. Collection method: clinical testing. Allele origin: germline. Affected: yes. Observed: 4 variant alleles. Not counted in ClinVar's aggregate classification.

Laboratory of Urology, Hospital Clinic de Barcelona
Classification: Pathogenic for Malignant tumor of urinary bladder. Review status: no assertion criteria provided. Collection method: research. Allele origin: somatic. Affected: yes. Not counted in ClinVar's aggregate classification.

Literature cited by the submitters: PubMed 23893897 (cited by Dasa); PubMed 31131967 (cited by Dasa); PubMed 17011978 (cited by 6 submitters); PubMed 21063910 (cited by 5 submitters); PubMed 32058061 (cited by 3 submitters); PubMed 32846166 (cited by 3 submitters); PubMed 22505045 (cited by Labcorp Genetics (formerly Invitae), Labcorp); PubMed 12938098 (cited by Ambry Genetics and Quest Diagnostics Nichols Institute San Juan Capistrano); PubMed 25525159 (cited by Quest Diagnostics Nichols Institute San Juan Capistrano); PubMed 28888541 (cited by Quest Diagnostics Nichols Institute San Juan Capistrano); PubMed 29446198 (cited by Quest Diagnostics Nichols Institute San Juan Capistrano and Women's Health and Genetics/Laboratory Corporation of America, LabCorp); PubMed 32438681 (cited by Quest Diagnostics Nichols Institute San Juan Capistrano); PubMed 32599251 (cited by Quest Diagnostics Nichols Institute San Juan Capistrano); PubMed 32658311 (cited by Quest Diagnostics Nichols Institute San Juan Capistrano); PubMed 35220195 (cited by Quest Diagnostics Nichols Institute San Juan Capistrano).

NM_000059.4(BRCA2):c.67+1G>A

Gene: BRCA2 (BRCA2 DNA repair associated; plus strand). Cytogenetic location: 13q13.1.
Variant type: single nucleotide variant.
Coding change: c.67+1G>A on transcript NM_000059.4 (MANE Select); the canonical splice donor site of the intron after coding-DNA position 67, G replaced by A.
Molecular consequence: splice donor variant. On other transcripts: intron variant (1).
Genome position (GRCh38, 1-based): chr13:32,316,528, G>A. VCF-style: chr13-32316528-G-A. GRCh37 (hg19) VCF-style: chr13-32890665-G-A.
Other names: IVS2+1G>A; c.67+1G>A (NM_001406720.1, NM_001406719.1, NM_001406721.1); c.-303+861G>A (NM_001406722.1).
Identifiers: ClinVar variation 52160 (VCV000052160.23), dbSNP rs81002796, ClinGen allele CA024334.